The following is an entry in ClinVar:

ClinVar aggregate classification (germline): Uncertain significance (1 of 4 stars; one submission).

Conditions:
Early-infantile DEE. Also called: Ohtahara syndrome; Early infantile epileptic encephalopathy with suppression bursts; Early infantile epileptic encephalopathy. Identifiers: Orphanet 1934, MedGen C0393706, MONDO:0800491.

Submission:

Labcorp Genetics (formerly Invitae), Labcorp
Classification: Uncertain significance for Early-infantile DEE. Last evaluated: 2024-09-24. Review status: criteria provided, single submitter. Criteria: Invitae Variant Classification Sherloc (09022015). Collection method: clinical testing. Allele origin: germline.
Comment: This sequence change replaces isoleucine, which is neutral and non-polar, with valine, which is neutral and non-polar, at codon 463 of the KCNH5 protein (p.Ile463Val). This variant is not present in population databases (gnomAD no frequency). This variant has not been reported in the literature in individuals affected with KCNH5-related conditions. Invitae Evidence Modeling of protein sequence and biophysical properties (such as structural, functional, and spatial information, amino acid conservation, physicochemical variation, residue mobility, and thermodynamic stability) indicates that this missense variant is not expected to disrupt KCNH5 protein function with a negative predictive value of 95%. In summary, the available evidence is currently insufficient to determine the role of this variant in disease. Therefore, it has been classified as a Variant of Uncertain Significance.

NM_139318.5(KCNH5):c.1387A>G (p.Ile463Val)

Gene: KCNH5 (potassium voltage-gated channel subfamily H member 5; minus strand). Cytogenetic location: 14q23.2.
Variant type: single nucleotide variant.
Coding change: c.1387A>G on transcript NM_139318.5 (MANE Select); coding-DNA position 1387, A replaced by G.
Protein change: p.Ile463Val; replaces isoleucine 463 with valine.
Molecular consequence: missense variant.
Genome position (GRCh38, 1-based): chr14:62,849,835, T>C on the plus strand (A>G on the coding strand, the complement: KCNH5 is on the minus strand). VCF-style: chr14-62849835-T-C. GRCh37 (hg19) VCF-style: chr14-63316553-T-C.
Other names: c.1387A>G, p.Ile463Val (NM_172375.3); short protein forms I463V.
Identifiers: ClinVar variation 3691547 (VCV003691547.2).